The following is an entry in ClinVar:

NM_018089.3(ANKZF1):c.1837C>G (p.Arg613Gly)

Gene: ANKZF1 (ankyrin repeat and zinc finger peptidyl tRNA hydrolase 1; plus strand). Cytogenetic location: 2q35.
Variant type: single nucleotide variant.
Coding change: c.1837C>G on transcript NM_018089.3 (MANE Select); coding-DNA position 1837, C replaced by G.
Protein change: p.Arg613Gly; replaces arginine 613 with glycine.
Molecular consequence: missense variant.
Genome position (GRCh38, 1-based): chr2:219,235,741, C>G. VCF-style: chr2-219235741-C-G. GRCh37 (hg19) VCF-style: chr2-220100463-C-G.
Other names: c.1837C>G, p.Arg613Gly (NM_001042410.2); c.1207C>G, p.Arg403Gly (NM_001282792.2); short protein forms R403G, R613G.
Identifiers: ClinVar variation 1993241 (VCV001993241.4), dbSNP rs76130952, ClinGen allele CA350687470.

ClinVar aggregate classification (germline): Uncertain significance (1 of 4 stars; one submission).

gnomAD v4.1: 1 of 1,614,112 alleles (0.000062%); highest among the groups gnomAD compares: Admixed American, 0.0017%; no homozygotes.

Submission:

Labcorp Genetics (formerly Invitae), Labcorp
Classification: Uncertain significance. Last evaluated: 2022-10-07. Review status: criteria provided, single submitter. Criteria: Invitae Variant Classification Sherloc (09022015). Collection method: clinical testing. Allele origin: germline.
Comment: This sequence change replaces arginine, which is basic and polar, with glycine, which is neutral and non-polar, at codon 613 of the ANKZF1 protein (p.Arg613Gly). This variant is present in population databases (no rsID available, gnomAD 0.003%). This variant has not been reported in the literature in individuals affected with ANKZF1-related conditions. Algorithms developed to predict the effect of missense changes on protein structure and function are either unavailable or do not agree on the potential impact of this missense change (SIFT: "Deleterious"; PolyPhen-2: "Benign"; Align-GVGD: "Class C0"). In summary, the available evidence is currently insufficient to determine the role of this variant in disease. Therefore, it has been classified as a Variant of Uncertain Significance.